The following is an entry in ClinVar:

ClinVar aggregate classification (germline): Uncertain significance (1 of 4 stars; one submission).

Allele frequency attached by ClinVar (database versions not stated): gnomAD 0.00001; gnomAD exomes 0.00001; TOPMed 0.00002.
gnomAD v4.1: 9 of 1,613,820 alleles (0.00056%); highest among the groups gnomAD compares: African/African-American, 0.0027%; no homozygotes.

Submission:

Labcorp Genetics (formerly Invitae), Labcorp
Classification: Uncertain significance. Last evaluated: 2024-01-16. Review status: criteria provided, single submitter. Criteria: Invitae Variant Classification Sherloc (09022015). Collection method: clinical testing. Allele origin: germline.
Comment: This sequence change replaces arginine, which is basic and polar, with cysteine, which is neutral and slightly polar, at codon 1135 of the TAOK2 protein (p.Arg1135Cys). This variant is not present in population databases (gnomAD no frequency). This variant has not been reported in the literature in individuals affected with TAOK2-related conditions. An algorithm developed to predict the effect of missense changes on protein structure and function (PolyPhen-2) suggests that this variant is likely to be tolerated. In summary, the available evidence is currently insufficient to determine the role of this variant in disease. Therefore, it has been classified as a Variant of Uncertain Significance.

NM_016151.4(TAOK2):c.3403C>T (p.Arg1135Cys)

Gene: TAOK2 (TAO kinase 2; plus strand). Cytogenetic location: 16p11.2.
Variant type: single nucleotide variant.
Coding change: c.3403C>T on transcript NM_016151.4 (MANE Select); coding-DNA position 3403, C replaced by T.
Protein change: p.Arg1135Cys; replaces arginine 1135 with cysteine.
Molecular consequence: missense variant. On other transcripts: intron variant (1).
Genome position (GRCh38, 1-based): chr16:29,987,675, C>T. VCF-style: chr16-29987675-C-T. GRCh37 (hg19) VCF-style: chr16-29998996-C-T.
Other names: c.3064C>T, p.Arg1022Cys (NM_001252043.2); c.2232+1171C>T (NM_004783.4); short protein forms R1022C, R1135C.
Identifiers: ClinVar variation 2981129 (VCV002981129.3), dbSNP rs954914582, ClinGen allele CA280401034.
Genomic context (GRCh38, chr16:29,987,675, plus strand): 5'-TACCCCAAAACCAACAAGGATGGCTTCCGCAGCCGCCTGCCCGTCCCTGGGCCCCGGCGG[C>T]GTAATCCCCGCACCACCCAACACCCATTAGCTCTGTTGGCAAGGGTCTGGGTCCTGTGCA-3'
Protein context (NP_057235.2, residues 1125-1145): SRLPVPGPRR[Arg1135Cys]NPRTTQHPLA